The following is an entry in ClinVar:

NM_203447.4(DOCK8):c.2731A>G (p.Thr911Ala)

Gene: DOCK8 (dedicator of cytokinesis 8; plus strand). Cytogenetic location: 9p24.3.
Variant type: single nucleotide variant.
Coding change: c.2731A>G on transcript NM_203447.4 (MANE Select); coding-DNA position 2731, A replaced by G.
Protein change: p.Thr911Ala; replaces threonine 911 with alanine.
Molecular consequence: missense variant.
Genome position (GRCh38, 1-based): chr9:382,638, A>G. VCF-style: chr9-382638-A-G. GRCh37 (hg19) VCF-style: chr9-382638-A-G.
Other names: c.2527A>G, p.Thr843Ala (NM_001190458.2, NM_001193536.2); short protein forms T843A, T911A.
Identifiers: ClinVar variation 845193 (VCV000845193.10), dbSNP rs754915792, ClinGen allele CA4958299.

ClinVar aggregate classification (germline): Uncertain significance. Review status: criteria provided, multiple submitters, no conflicts (2 of 4 stars). 3 submissions from 3 submitters: Uncertain significance (2). 1 of the submissions does not count toward it. Last evaluated 2026-01-20.

Conditions:
Inborn genetic diseases. Identifiers: MedGen C0950123, MeSH D030342.
Intellectual disability. Also called: Intellectual developmental disorder; Intellectual functioning disability; intellectual disabilities. Identifiers: MedGen C3714756, MeSH D008607, MONDO:0001071, HP:0001249.
Combined immunodeficiency due to DOCK8 deficiency (HIES2). Also called: HIES autosomal recessive; DOCK8 Deficiency; HYPER-IgE SYNDROME 2, AUTOSOMAL RECESSIVE, WITH RECURRENT INFECTIONS; Hyper-IgE recurrent infection syndrome, autosomal recessive; HYPER-IgE RECURRENT INFECTION SYNDROME 2, AUTOSOMAL RECESSIVE. Identifiers: Orphanet 217390, MedGen C4722305, MONDO:0009478, OMIM 243700.

Allele frequency attached by ClinVar (database versions not stated): gnomAD 0.00004 and 0.00005; gnomAD exomes 0.00001; TOPMed 0.00005; ExAC 0.00002.
gnomAD v4.1: 15 of 1,613,988 alleles (0.00093%); highest among the groups gnomAD compares: African/African-American, 0.02%; no homozygotes.

Submissions (3):

Labcorp Genetics (formerly Invitae), Labcorp
Classification: Uncertain significance for Combined immunodeficiency due to DOCK8 deficiency. Last evaluated: 2026-01-20. Review status: criteria provided, single submitter. Criteria: Invitae Variant Classification Sherloc (09022015). Collection method: clinical testing. Allele origin: germline.
Comment: This sequence change replaces threonine, which is neutral and polar, with alanine, which is neutral and non-polar, at codon 911 of the DOCK8 protein (p.Thr911Ala). This variant is present in population databases (rs754915792, gnomAD 0.02%). This variant has not been reported in the literature in individuals affected with DOCK8-related conditions. ClinVar contains an entry for this variant (Variation ID: 845193). Invitae Evidence Modeling of protein sequence and biophysical properties (such as structural, functional, and spatial information, amino acid conservation, physicochemical variation, residue mobility, and thermodynamic stability) indicates that this missense variant is not expected to disrupt DOCK8 protein function with a negative predictive value of 80%. In summary, the available evidence is currently insufficient to determine the role of this variant in disease. Therefore, it has been classified as a Variant of Uncertain Significance.

Ambry Genetics
Classification: Uncertain significance for Inborn genetic diseases. Last evaluated: 2021-07-21. Review status: criteria provided, single submitter. Criteria: Ambry Variant Classification Scheme 2023. Collection method: clinical testing. Allele origin: germline.

Centre de Biologie Pathologie Génétique, Centre Hospitalier Universitaire de Lille
Classification: Likely benign for Intellectual disability. Last evaluated: 2019-01-01. Review status: no assertion criteria provided. Collection method: clinical testing. Allele origin: inherited. Affected: yes. Not counted in ClinVar's aggregate classification.